The following is an entry in ClinVar:

NM_001099403.2(PRDM8):c.1778_1795del (p.Ala593_Ala598del)

Gene: PRDM8 (PR/SET domain 8; plus strand). Cytogenetic location: 4q21.21.
Variant type: Deletion.
Coding change: c.1778_1795del on transcript NM_001099403.2 (MANE Select); coding-DNA positions 1778 to 1795, 18 bases deleted (CTGCGGCGGCGGCCGCGG).
Protein change: p.Ala593_Ala598del.
Molecular consequence: inframe deletion.
Genome position (GRCh38, 1-based): chr4:80,203,240-80,203,257, CTGCGGCGGCGGCCGCGG deleted; deleting any 18 consecutive bases within chr4:80,203,233-80,203,257 gives the same sequence; the c. name uses the placement nearest the transcript's 3' end. VCF-style (leftmost placement, unchanged base first): chr4-80203232-AGCCGCGGCTGCGGCGGCG-A. GRCh37 (hg19) VCF-style: chr4-81124386-AGCCGCGGCTGCGGCGGCG-A.
Other names: c.1778_1795delCTGCGGCGGCGGCCGCGG (NM_020226.3); c.1778_1795del, p.Ala593_Ala598del (NM_020226.4).
Identifiers: ClinVar variation 475674 (VCV000475674.12), dbSNP rs755316101, ClinGen allele CA2982450.

ClinVar aggregate classification (germline): Benign. Review status: criteria provided, single submitter (1 of 4 stars). 2 submissions from 2 submitters: Benign (1). 1 of the submissions does not count toward it. Last evaluated 2025-07-06.

Conditions:
PRDM8-related disorder. Also called: PRDM8-related condition.
Early-onset Lafora body disease. Also called: Epilepsy, progressive myoclonic, 10. Identifiers: Orphanet 324290, MedGen C4225258, MONDO:0014717, OMIM 616640.

Submissions (2):

Labcorp Genetics (formerly Invitae), Labcorp
Classification: Benign for Early-onset Lafora body disease. Last evaluated: 2025-07-06. Review status: criteria provided, single submitter. Criteria: Invitae Variant Classification Sherloc (09022015). Collection method: clinical testing. Allele origin: germline.

PreventionGenetics, part of Exact Sciences
Classification: Likely benign for PRDM8-related condition. Last evaluated: 2019-11-26. Review status: no assertion criteria provided. Collection method: clinical testing. Allele origin: germline. Not counted in ClinVar's aggregate classification.
Comment: This variant is classified as likely benign based on ACMG/AMP sequence variant interpretation guidelines (Richards et al. 2015 PMID: 25741868, with internal and published modifications).